The following is an entry in ClinVar:

ClinVar aggregate classification (germline): Uncertain significance (1 of 4 stars; one submission).

Conditions:
Hereditary cancer-predisposing syndrome. Also called: Tumor predisposition; Hereditary neoplastic syndrome; Hereditary Cancer Syndrome; Neoplastic Syndromes, Hereditary. Identifiers: Orphanet 140162, MedGen C0027672, MeSH D009386, MONDO:0015356.

Allele frequency attached by ClinVar (database versions not stated): gnomAD exomes below 0.00001.
gnomAD v4.1: 4 of 1,588,714 alleles (0.00025%); highest among the groups gnomAD compares: South Asian, 0.0034%; no homozygotes.

Submission:

Ambry Genetics
Classification: Uncertain significance for Hereditary cancer-predisposing syndrome. Last evaluated: 2023-12-24. Review status: criteria provided, single submitter. Criteria: Ambry Variant Classification Scheme 2023. Collection method: clinical testing. Allele origin: germline.
Comment: The p.A18T variant (also known as c.52G>A), located in coding exon 1 of the EPCAM gene, results from a G to A substitution at nucleotide position 52. The alanine at codon 18 is replaced by threonine, an amino acid with similar properties. This amino acid position is conserved. In addition, this alteration is predicted to be tolerated by in silico analysis. Since supporting evidence is limited at this time, the clinical significance of this alteration remains unclear.

NM_002354.3(EPCAM):c.52G>A (p.Ala18Thr)

Gene: EPCAM (epithelial cell adhesion molecule; plus strand). Cytogenetic location: 2p21.
Variant type: single nucleotide variant.
Coding change: c.52G>A on transcript NM_002354.3 (MANE Select); coding-DNA position 52, G replaced by A.
Protein change: p.Ala18Thr; replaces alanine 18 with threonine.
Molecular consequence: missense variant.
Genome position (GRCh38, 1-based): chr2:47,369,557, G>A. VCF-style: chr2-47369557-G-A. GRCh37 (hg19) VCF-style: chr2-47596696-G-A.
Other names: short protein forms A18T.
Identifiers: ClinVar variation 3222119 (VCV003222119.1), dbSNP rs2103738184, ClinGen allele CA346721415.
Genomic context (GRCh38, chr2:47,369,557, plus strand): 5'-GCGCGCAGCATGGCGCCCCCGCAGGTCCTCGCGTTCGGGCTTCTGCTTGCCGCGGCGACG[G>A]CGACTTTTGCCGCAGCTCAGGAAGGTGAGGCGCGGATTGGAGCAGAGTTGTGGAGCTGGG-3'
Protein context (NP_002345.2, residues 8-28): AFGLLLAAAT[Ala18Thr]TFAAAQEECV